The following is an entry in ClinVar:

NM_020922.5(WNK3):c.39T>G (p.Asp13Glu)

Gene: WNK3 (WNK lysine deficient protein kinase 3; minus strand). Cytogenetic location: Xp11.22.
Variant type: single nucleotide variant.
Coding change: c.39T>G on transcript NM_020922.5 (MANE Select); coding-DNA position 39, T replaced by G.
Protein change: p.Asp13Glu; replaces aspartic acid 13 with glutamic acid.
Molecular consequence: missense variant.
Genome position (GRCh38, 1-based): chrX:54,333,635, A>C on the plus strand (T>G on the coding strand, the complement: WNK3 is on the minus strand). VCF-style: chrX-54333635-A-C. GRCh37 (hg19) VCF-style: chrX-54360068-A-C.
Other names: c.39T>G, p.Asp13Glu (NM_001002838.4, NM_001395166.1); short protein forms D13E.
Identifiers: ClinVar variation 4529969 (VCV004529969.1).

ClinVar aggregate classification (germline): Uncertain significance (1 of 4 stars; one submission).

gnomAD v4.1: 9 of 1,202,824 alleles (0.00075%); highest among the groups gnomAD compares: Non-Finnish European, 0.00089%; no homozygotes.

Submission:

GeneDx
Classification: Uncertain significance. Last evaluated: 2025-05-13. Review status: criteria provided, single submitter. Criteria: GeneDx Variant Classification Process June 2021. Collection method: clinical testing. Allele origin: germline. Affected: yes.
Comment: In silico analysis suggests that this missense variant does not alter protein structure/function; Has not been previously published as pathogenic or benign to our knowledge